The following continues an entry in ClinVar:

NM_000293.3(PHKB):c.555G>T (p.Met185Ile)

Gene: PHKB. ClinVar aggregate classification (germline): Benign/Likely benign. Benign (6); Likely benign (6).

Submissions 30 to 58 of 58:

Dr. Peter K. Rogan Lab, Western University
No classification provided (evidence only). Condition: Acute myeloid leukemia. Review status: no classification provided. Collection method: in vitro. Allele origin: not applicable. Functional consequence: retained intron. Not counted in ClinVar's aggregate classification.

Dr. Peter K. Rogan Lab, Western University
No classification provided (evidence only). Condition: Colon adenocarcinoma. Review status: no classification provided. Collection method: in vitro. Allele origin: not applicable. Functional consequence: retained intron. Not counted in ClinVar's aggregate classification.

Dr. Peter K. Rogan Lab, Western University
No classification provided (evidence only). Condition: Colon adenocarcinoma. Review status: no classification provided. Collection method: in vitro. Allele origin: not applicable. Functional consequence: retained intron. Not counted in ClinVar's aggregate classification.

Dr. Peter K. Rogan Lab, Western University
No classification provided (evidence only). Condition: Colorectal cancer. Review status: no classification provided. Collection method: in vitro. Allele origin: not applicable. Functional consequence: retained intron. Not counted in ClinVar's aggregate classification.

Dr. Peter K. Rogan Lab, Western University
No classification provided (evidence only). Condition: Colorectal cancer. Review status: no classification provided. Collection method: in vitro. Allele origin: not applicable. Functional consequence: retained intron. Not counted in ClinVar's aggregate classification.

Dr. Peter K. Rogan Lab, Western University
No classification provided (evidence only). Condition: Colorectal cancer. Review status: no classification provided. Collection method: in vitro. Allele origin: not applicable. Functional consequence: retained intron. Not counted in ClinVar's aggregate classification.

Dr. Peter K. Rogan Lab, Western University
No classification provided (evidence only). Condition: Thyroid cancer, nonmedullary, 1. Review status: no classification provided. Collection method: in vitro. Allele origin: not applicable. Functional consequence: retained intron. Not counted in ClinVar's aggregate classification.

Dr. Peter K. Rogan Lab, Western University
No classification provided (evidence only). Condition: Thyroid cancer, nonmedullary, 1. Review status: no classification provided. Collection method: in vitro. Allele origin: not applicable. Functional consequence: retained intron. Not counted in ClinVar's aggregate classification.

Dr. Peter K. Rogan Lab, Western University
No classification provided (evidence only). Condition: Thyroid cancer, nonmedullary, 1. Review status: no classification provided. Collection method: in vitro. Allele origin: not applicable. Functional consequence: retained intron. Not counted in ClinVar's aggregate classification.

Dr. Peter K. Rogan Lab, Western University
No classification provided (evidence only). Condition: Thyroid cancer, nonmedullary, 1. Review status: no classification provided. Collection method: in vitro. Allele origin: not applicable. Functional consequence: retained intron. Not counted in ClinVar's aggregate classification.

Dr. Peter K. Rogan Lab, Western University
No classification provided (evidence only). Condition: Cervical cancer. Review status: no classification provided. Collection method: in vitro. Allele origin: not applicable. Functional consequence: retained intron. Not counted in ClinVar's aggregate classification.

Dr. Peter K. Rogan Lab, Western University
No classification provided (evidence only). Condition: Cervical cancer. Review status: no classification provided. Collection method: in vitro. Allele origin: not applicable. Functional consequence: retained intron. Not counted in ClinVar's aggregate classification.

Dr. Peter K. Rogan Lab, Western University
No classification provided (evidence only). Condition: Cervical cancer. Review status: no classification provided. Collection method: in vitro. Allele origin: not applicable. Functional consequence: retained intron. Not counted in ClinVar's aggregate classification.

Dr. Peter K. Rogan Lab, Western University
No classification provided (evidence only). Condition: Sarcoma. Review status: no classification provided. Collection method: in vitro. Allele origin: not applicable. Functional consequence: retained intron. Not counted in ClinVar's aggregate classification.

Dr. Peter K. Rogan Lab, Western University
No classification provided (evidence only). Condition: Sarcoma. Review status: no classification provided. Collection method: in vitro. Allele origin: not applicable. Functional consequence: retained intron. Not counted in ClinVar's aggregate classification.

Dr. Peter K. Rogan Lab, Western University
No classification provided (evidence only). Condition: Sarcoma. Review status: no classification provided. Collection method: in vitro. Allele origin: not applicable. Functional consequence: retained intron. Not counted in ClinVar's aggregate classification.

Dr. Peter K. Rogan Lab, Western University
No classification provided (evidence only). Condition: Malignant lymphoma, large B-cell, diffuse. Review status: no classification provided. Collection method: in vitro. Allele origin: not applicable. Functional consequence: retained intron. Not counted in ClinVar's aggregate classification.

Dr. Peter K. Rogan Lab, Western University
No classification provided (evidence only). Condition: Nonpapillary renal cell carcinoma. Review status: no classification provided. Collection method: in vitro. Allele origin: not applicable. Functional consequence: retained intron. Not counted in ClinVar's aggregate classification.

Dr. Peter K. Rogan Lab, Western University
No classification provided (evidence only). Condition: Nonpapillary renal cell carcinoma. Review status: no classification provided. Collection method: in vitro. Allele origin: not applicable. Functional consequence: retained intron. Not counted in ClinVar's aggregate classification.

Dr. Peter K. Rogan Lab, Western University
No classification provided (evidence only). Condition: Nonpapillary renal cell carcinoma. Review status: no classification provided. Collection method: in vitro. Allele origin: not applicable. Functional consequence: retained intron. Not counted in ClinVar's aggregate classification.

Dr. Peter K. Rogan Lab, Western University
No classification provided (evidence only). Condition: Nonpapillary renal cell carcinoma. Review status: no classification provided. Collection method: in vitro. Allele origin: not applicable. Functional consequence: retained intron. Not counted in ClinVar's aggregate classification.

Dr. Peter K. Rogan Lab, Western University
No classification provided (evidence only). Condition: Ovarian serous cystadenocarcinoma. Review status: no classification provided. Collection method: in vitro. Allele origin: not applicable. Functional consequence: retained intron. Not counted in ClinVar's aggregate classification.

Dr. Peter K. Rogan Lab, Western University
No classification provided (evidence only). Condition: Ovarian serous cystadenocarcinoma. Review status: no classification provided. Collection method: in vitro. Allele origin: not applicable. Functional consequence: retained intron. Not counted in ClinVar's aggregate classification.

Dr. Peter K. Rogan Lab, Western University
No classification provided (evidence only). Condition: Ovarian serous cystadenocarcinoma. Review status: no classification provided. Collection method: in vitro. Allele origin: not applicable. Functional consequence: retained intron. Not counted in ClinVar's aggregate classification.

Dr. Peter K. Rogan Lab, Western University
No classification provided (evidence only). Condition: Gastric cancer. Review status: no classification provided. Collection method: in vitro. Allele origin: not applicable. Functional consequence: retained intron. Not counted in ClinVar's aggregate classification.

Dr. Peter K. Rogan Lab, Western University
No classification provided (evidence only). Condition: Gastric cancer. Review status: no classification provided. Collection method: in vitro. Allele origin: not applicable. Functional consequence: retained intron. Not counted in ClinVar's aggregate classification.

Dr. Peter K. Rogan Lab, Western University
No classification provided (evidence only). Condition: Malignant tumor of esophagus. Review status: no classification provided. Collection method: in vitro. Allele origin: not applicable. Functional consequence: retained intron. Not counted in ClinVar's aggregate classification.

Dr. Peter K. Rogan Lab, Western University
No classification provided (evidence only). Condition: Malignant tumor of esophagus. Review status: no classification provided. Collection method: in vitro. Allele origin: not applicable. Functional consequence: retained intron. Not counted in ClinVar's aggregate classification.

GeneReviews
No classification provided. Condition: Glycogen storage disease IXb. Review status: no classification provided. Collection method: literature only. Allele origin: germline. Not counted in ClinVar's aggregate classification.

Literature cited by the submitters: PubMed 17689125 (cited by Illumina Laboratory Services, Illumina).